The following is an entry in ClinVar:

NC_000017.11:g.(?_75960205)_(75960385_?)dup

Gene: ACOX1 (acyl-CoA oxidase 1; minus strand). Cytogenetic location: 17q25.1.
Variant type: Duplication.
Identifiers: ClinVar variation 830851 (VCV000830851.3).

ClinVar aggregate classification (germline): Likely pathogenic (1 of 4 stars; one submission).

Conditions:
Acyl-CoA oxidase deficiency. Also called: STRAIGHT-CHAIN ACYL-CoA OXIDASE DEFICIENCY; Pseudoneonatal adrenoleukodystrophy; Peroxisomal acyl-CoA oxidase deficiency. Identifiers: Orphanet 2971, MedGen C1849678, MONDO:0009919, OMIM 264470. Disease mechanism: loss of function.

Submission:

Labcorp Genetics (formerly Invitae), Labcorp
Classification: Likely pathogenic for Acyl-CoA oxidase deficiency. Last evaluated: 2019-11-07. Review status: criteria provided, single submitter. Criteria: Invitae Variant Classification Sherloc (09022015). Collection method: clinical testing. Allele origin: germline.
Comment: In summary, the currently available evidence indicates that the variant is pathogenic, but additional data are needed to prove that conclusively. Therefore, this variant has been classified as Likely Pathogenic. Loss-of-function variants in ACOX1 are known to be pathogenic (PMID: 8040306, 17458872). This variant has not been reported in the literature in individuals with ACOX1-related conditions. This variant results in a copy number gain of the genomic region encompassing exon 3 of the ACOX1 gene. While the exact position of this variant cannot be determined from this data, sub-genic copy number gains are generally in tandem (PMID: 25640679) and may result in an absent or disrupted protein product.

Literature cited by the submitters: PubMed 8040306; PubMed 17458872; PubMed 25640679.